The following is an entry in ClinVar:

NM_000138.5(FBN1):c.2413T>C (p.Cys805Arg)

Gene: FBN1 (fibrillin 1; minus strand). Cytogenetic location: 15q21.1.
Variant type: single nucleotide variant.
Coding change: c.2413T>C on transcript NM_000138.5 (MANE Select); coding-DNA position 2413, T replaced by C.
Protein change: p.Cys805Arg; replaces cysteine 805 with arginine.
Molecular consequence: missense variant.
Genome position (GRCh38, 1-based): chr15:48,496,106, A>G on the plus strand (T>C on the coding strand, the complement: FBN1 is on the minus strand). VCF-style: chr15-48496106-A-G. GRCh37 (hg19) VCF-style: chr15-48788303-A-G.
Other names: short protein forms C805R.
Identifiers: ClinVar variation 935238 (VCV000935238.26), dbSNP rs2043606316, ClinGen allele CA392335110.

ClinVar aggregate classification (germline): Pathogenic. Review status: criteria provided, multiple submitters, no conflicts (2 of 4 stars). 2 submissions from 2 submitters: Pathogenic (2). Last evaluated 2021-03-01.

Conditions:
Marfan syndrome (MFS). Also called: Marfan syndrome, classic; Marfan syndrome type 1; Marfan's syndrome; FBN1-Related Marfan Syndrome; MARFAN SYNDROME, TYPE I. Identifiers: Orphanet 284963, Orphanet 558, MedGen C0024796, MONDO:0007947, OMIM 154700.
Familial thoracic aortic aneurysm and aortic dissection (TAAD). Also called: Thoracic aortic aneurysms and dissections. Identifiers: Orphanet 91387, MedGen C4707243, MONDO:0019625.

Submissions (2):

Centre of Medical Genetics, University of Antwerp
Classification: Pathogenic for Marfan syndrome. Last evaluated: 2021-03-01. Review status: criteria provided, single submitter. Criteria: Submitter's publication. Collection method: research. Allele origin: unknown. Affected: yes.
Comment: PM2, PVS2, PP4

Labcorp Genetics (formerly Invitae), Labcorp
Classification: Pathogenic for Marfan syndrome; Familial thoracic aortic aneurysm and aortic dissection. Last evaluated: 2021-01-30. Review status: criteria provided, single submitter. Criteria: Invitae Variant Classification Sherloc (09022015). Collection method: clinical testing. Allele origin: germline.
Comment: This sequence change replaces cysteine with arginine at codon 805 of the FBN1 protein (p.Cys805Arg). The cysteine residue is highly conserved and there is a large physicochemical difference between cysteine and arginine. This variant is not present in population databases (ExAC no frequency). This variant has been observed in an individual with clinical features of Marfan syndrome (PMID: 25053872). Algorithms developed to predict the effect of missense changes on protein structure and function (SIFT, PolyPhen-2, Align-GVGD) all suggest that this variant is likely to be disruptive, but these predictions have not been confirmed by published functional studies and their clinical significance is uncertain. This variant affects a cysteine residue in the EGF-like, TGFBP or hybrid motif domains of FBN1. Cysteine residues are believed to be involved in intramolecular disulfide bridges and have been shown to be important for FBN1 protein structure (PMID: 16905551, 19349279). In addition, missense substitutions affecting cysteine residues within these domains are significantly overrepresented among patients with Marfan syndrome (PMID: 16571647, 17701892). This variant disrupts the p.Cys805 amino acid residue in FBN1. Other variant(s) that disrupt this residue have been observed in individuals with FBN1-related conditions (PMID: 20564469, 29848614, Invitae), which suggests that this may be a clinically significant amino acid residue. For these reasons, this variant has been classified as Pathogenic.

Literature cited by the submitters: PubMed 25053872 (cited by Labcorp Genetics (formerly Invitae), Labcorp); PubMed 16905551 (cited by Labcorp Genetics (formerly Invitae), Labcorp); PubMed 19349279 (cited by Labcorp Genetics (formerly Invitae), Labcorp); PubMed 16571647 (cited by Labcorp Genetics (formerly Invitae), Labcorp); PubMed 17701892 (cited by Labcorp Genetics (formerly Invitae), Labcorp); PubMed 20564469 (cited by Labcorp Genetics (formerly Invitae), Labcorp); PubMed 29848614 (cited by Labcorp Genetics (formerly Invitae), Labcorp).